The following is an entry in ClinVar:

ClinVar aggregate classification (germline): Likely benign. Review status: criteria provided, multiple submitters, no conflicts (2 of 4 stars). 6 submissions from 6 submitters: Likely benign (5). 1 of the submissions does not count toward it. Last evaluated 2026-02-04.

Conditions:
Cardiovascular phenotype. Identifiers: MedGen CN230736.
LMF1-related disorder. Also called: LMF1-related condition.

Allele frequency attached by ClinVar (database versions not stated): 1000 Genomes Project 30x 0.00016; 1000 Genomes Project 0.00020; ESP Exome Variant Server 0.00065; TOPMed 0.00069; ExAC 0.00084; gnomAD 0.00087; gnomAD exomes 0.00094.
gnomAD v4.1: 2,145 of 1,612,862 alleles (0.13%); highest among the groups gnomAD compares: South Asian, 0.21%; 4 homozygotes.

Submissions (6):

Labcorp Genetics (formerly Invitae), Labcorp
Classification: Likely benign. Last evaluated: 2026-02-04. Review status: criteria provided, single submitter. Criteria: Invitae Variant Classification Sherloc (09022015). Collection method: clinical testing. Allele origin: germline.

Molecular Diagnostic Laboratory for Inherited Cardiovascular Disease, Montreal Heart Institute
Classification: Likely benign. Last evaluated: 2025-04-09. Review status: criteria provided, single submitter. Criteria: ACMG Guidelines, 2015. Collection method: clinical testing. Allele origin: germline. Affected: no.
Comment: BP6;BP7

Blueprint Genetics
Classification: Likely benign. Last evaluated: 2024-11-18. Review status: criteria provided, single submitter. Criteria: ACMG Guidelines, 2015. Collection method: clinical testing. Allele origin: germline.

Ambry Genetics
Classification: Likely benign for Cardiovascular phenotype. Last evaluated: 2020-01-23. Review status: criteria provided, single submitter. Criteria: Ambry Variant Classification Scheme 2023. Collection method: clinical testing. Allele origin: germline.

Breakthrough Genomics
Classification: Likely benign. Review status: criteria provided, single submitter. Criteria: ACMG Guidelines, 2015. Collection method: not provided. Allele origin: germline. Inheritance: Autosomal recessive inheritance. Affected: yes.

PreventionGenetics, part of Exact Sciences
Classification: Likely benign for LMF1-related condition. Last evaluated: 2019-03-20. Review status: no assertion criteria provided. Collection method: clinical testing. Allele origin: germline. Not counted in ClinVar's aggregate classification.
Comment: This variant is classified as likely benign based on ACMG/AMP sequence variant interpretation guidelines (Richards et al. 2015 PMID: 25741868, with internal and published modifications).

NM_022773.4(LMF1):c.552G>C (p.Gly184=)

Gene: LMF1 (lipase maturation factor 1; minus strand). Cytogenetic location: 16p13.3.
Variant type: single nucleotide variant.
Coding change: c.552G>C on transcript NM_022773.4 (MANE Select); coding-DNA position 552, G replaced by C.
Protein change: p.Gly184=; no amino-acid change (glycine 184 retained).
Molecular consequence: synonymous variant. On other transcripts: 5 prime UTR variant (2), non-coding transcript variant (1).
Genome position (GRCh38, 1-based): chr16:911,042, C>G on the plus strand (G>C on the coding strand, the complement: LMF1 is on the minus strand). VCF-style: chr16-911042-C-G. GRCh37 (hg19) VCF-style: chr16-961042-C-G.
Other names: c.-100G>C (NM_001352017.2, NM_001352021.2); c.153G>C, p.Gly51= (NM_001352018.2); c.225G>C, p.Gly75= (NM_001352019.2); c.552G>C, p.Gly184= (NM_001352020.1).
Identifiers: ClinVar variation 790287 (VCV000790287.16), dbSNP rs199702457, ClinGen allele CA7797463.